The following is an entry in ClinVar:

NM_177559.3(CSNK2A1):c.143G>A (p.Gly48Asp)

Gene: CSNK2A1 (casein kinase 2 alpha 1; minus strand). Cytogenetic location: 20p13.
Variant type: single nucleotide variant.
Coding change: c.143G>A on transcript NM_177559.3 (MANE Select); coding-DNA position 143, G replaced by A.
Protein change: p.Gly48Asp; replaces glycine 48 with aspartic acid.
Molecular consequence: missense variant. On other transcripts: 5 prime UTR variant (1).
Genome position (GRCh38, 1-based): chr20:505,188, C>T on the plus strand (G>A on the coding strand, the complement: CSNK2A1 is on the minus strand). VCF-style: chr20-505188-C-T. GRCh37 (hg19) VCF-style: chr20-485832-C-T.
Other names: c.143G>A, p.Gly48Asp (NM_001362770.2, NM_001362771.2, NM_001895.4); c.-266G>A (NM_177560.3); short protein forms G48D.
Identifiers: ClinVar variation 1687213 (VCV001687213.1), dbSNP rs868337994, ClinGen allele CA310642511.
Genomic context (GRCh38, chr20:505,188, plus strand): 5'-TTAACAACAACTTTTTCATTATTTGTGATGTTGATGGCTTCAAATACTTCACTGTATTTA[C>T]CTCGGCCTAATTTTCGAACCAGCTGGTAGTCATCTTGATTTCTGTGGACACAAACAAAAT-3'
Protein context (NP_808227.1, residues 38-58): DYQLVRKLGR[Gly48Asp]KYSEVFEAIN

ClinVar aggregate classification (germline): Likely pathogenic (1 of 4 stars; one submission).

Conditions:
Okur-Chung neurodevelopmental syndrome (OCNDS). Identifiers: Orphanet 689422, MedGen C4310739, MONDO:0014893, OMIM 617062.

Submission:

3billion
Classification: Likely pathogenic for Okur-Chung neurodevelopmental syndrome. Last evaluated: 2022-05-22. Review status: criteria provided, single submitter. Criteria: ACMG Guidelines, 2015. Collection method: clinical testing. Allele origin: germline. Affected: yes. Observed: 1 heterozygote.
Comment: The variant is not observed in the gnomAD v2.1.1 dataset. The variant is located in a mutational hot spot and/or well-established functional domain in which established pathogenic variants have been reported (PMID:. 34038195). Missense changes are a common disease-causing mechanism. In silico tool predictions suggest damaging effect of the variant on gene or gene product (REVEL: 0.98; 3Cnet: 0.95). Therefore, this variant is classified as likely pathogenic according to the recommendation of ACMG/AMP guideline.

Literature cited by the submitters: PubMed 34038195.